The following is an entry in ClinVar:

ClinVar aggregate classification (germline): Uncertain significance (1 of 4 stars; one submission).

Submission:

Labcorp Genetics (formerly Invitae), Labcorp
Classification: Uncertain significance. Last evaluated: 2024-08-28. Review status: criteria provided, single submitter. Criteria: Invitae Variant Classification Sherloc (09022015). Collection method: clinical testing. Allele origin: germline.
Comment: This variant, c.1471_1473del, results in the deletion of 1 amino acid(s) of the TAB2 protein (p.Leu491del), but otherwise preserves the integrity of the reading frame. This variant is present in population databases (no rsID available, gnomAD 0.007%). This variant has not been reported in the literature in individuals affected with TAB2-related conditions. Experimental studies and prediction algorithms are not available or were not evaluated, and the functional significance of this variant is currently unknown. In summary, the available evidence is currently insufficient to determine the role of this variant in disease. Therefore, it has been classified as a Variant of Uncertain Significance.

NM_001292034.3(TAB2):c.1468CTT[1] (p.Leu491del)

Genes: TAB2 (TGF-beta activated kinase 1 (MAP3K7) binding protein 2; plus strand), LOC126859827 (BRD4-independent group 4 enhancer GRCh37_chr6:149699707-149700906; plus strand). Cytogenetic location: 6q25.1.
Variant type: Microsatellite.
Coding change: c.1468CTT[1] on transcript NM_001292034.3 (MANE Select); one copy of the 3-base unit CTT starting at c.1468; the reference has two copies in a row; one copy, 3 bases deleted.
Protein change: p.Leu491del; deletes leucine 491.
Molecular consequence: inframe deletion.
Genome position (GRCh38, 1-based): chr6:149,379,386-149,379,388, CTT deleted; deleting any 3 consecutive bases within chr6:149,379,382-149,379,388 gives the same sequence; the position shown is the placement nearest the transcript's 3' end. VCF-style (leftmost placement, unchanged base first): chr6-149379381-ATCT-A. GRCh37 (hg19) VCF-style: chr6-149700517-ATCT-A.
Other names: c.1372CTT[1], p.Leu459del (NM_001292035.3); c.1468CTT[1], p.Leu491del (NM_001369506.1, NM_015093.6); short protein forms L459del, L491del.
Identifiers: ClinVar variation 3021929 (VCV003021929.3), dbSNP rs1298776820, ClinGen allele CA571435661.